The following is an entry in ClinVar:

NC_000023.10:g.(?_31241144)_(31279781_?)del

Gene: DMD (dystrophin; minus strand). Cytogenetic location: Xp21.2.
Variant type: Deletion.
Identifiers: ClinVar variation 2424932 (VCV002424932.5).

ClinVar aggregate classification (germline): Pathogenic (1 of 4 stars; one submission).

Conditions:
Duchenne muscular dystrophy (DMD). Also called: Duchenne Muscular Dystrophy (DMD); MUSCULAR DYSTROPHY, PSEUDOHYPERTROPHIC PROGRESSIVE, DUCHENNE TYPE. Identifiers: Orphanet 98896, MedGen C0013264, MONDO:0010679, OMIM 310200.

Submission:

Labcorp Genetics (formerly Invitae), Labcorp
Classification: Pathogenic for Duchenne muscular dystrophy. Last evaluated: 2022-07-12. Review status: criteria provided, single submitter. Criteria: Invitae Variant Classification Sherloc (09022015). Collection method: clinical testing. Allele origin: germline.
Comment: For these reasons, this variant has been classified as Pathogenic. This variant has not been reported in the literature in individuals affected with DMD-related conditions. This variant is a gross deletion of the genomic region encompassing exon(s) 63-64 of the DMD gene. This deletion is out-of-frame, and is expected to create a premature termination codon and result in an absent or disrupted protein product. Loss-of-function variants in DMD are known to be pathogenic (PMID: 16770791, 25007885).

Literature cited by the submitters: PubMed 16770791; PubMed 25007885.